The following is an entry in ClinVar:

NM_018297.4(NGLY1):c.205A>G (p.Arg69Gly)

Gene: NGLY1 (N-glycanase 1; minus strand). Cytogenetic location: 3p24.2.
Variant type: single nucleotide variant.
Coding change: c.205A>G on transcript NM_018297.4 (MANE Select); coding-DNA position 205, A replaced by G.
Protein change: p.Arg69Gly; replaces arginine 69 with glycine.
Molecular consequence: missense variant.
Genome position (GRCh38, 1-based): chr3:25,778,615, T>C on the plus strand (A>G on the coding strand, the complement: NGLY1 is on the minus strand). VCF-style: chr3-25778615-T-C. GRCh37 (hg19) VCF-style: chr3-25820106-T-C.
Other names: c.205A>G, p.Arg69Gly (NM_001145293.2, NM_001145295.2); c.79A>G, p.Arg27Gly (NM_001145294.2); short protein forms R69G, R27G.
Identifiers: ClinVar variation 1466934 (VCV001466934.3), dbSNP rs2125321653, ClinGen allele CA351911002.

ClinVar aggregate classification (germline): Uncertain significance (1 of 4 stars; one submission).

Conditions:
Congenital disorder of deglycosylation (CDDG). Identifiers: MedGen C3808991, MONDO:0031376.

gnomAD v4.1: 1 of 1,612,266 alleles (0.000062%); highest among the groups gnomAD compares: South Asian, 0.0011%; no homozygotes.

Submission:

Labcorp Genetics (formerly Invitae), Labcorp
Classification: Uncertain significance for Congenital disorder of deglycosylation. Last evaluated: 2022-03-15. Review status: criteria provided, single submitter. Criteria: Invitae Variant Classification Sherloc (09022015). Collection method: clinical testing. Allele origin: germline.
Comment: This sequence change replaces arginine, which is basic and polar, with glycine, which is neutral and non-polar, at codon 69 of the NGLY1 protein (p.Arg69Gly). This variant is not present in population databases (gnomAD no frequency). This variant has not been reported in the literature in individuals affected with NGLY1-related conditions. Algorithms developed to predict the effect of missense changes on protein structure and function are either unavailable or do not agree on the potential impact of this missense change (SIFT: "Tolerated"; PolyPhen-2: "Possibly Damaging"; Align-GVGD: "Class C0"). In summary, the available evidence is currently insufficient to determine the role of this variant in disease. Therefore, it has been classified as a Variant of Uncertain Significance.